The following is an entry in ClinVar:

NM_001031689.3(PLAA):c.1139TTG[1] (p.Val381del)

Gene: PLAA (phospholipase A2 activating protein; minus strand). Cytogenetic location: 9p21.2.
Variant type: Microsatellite.
Coding change: c.1139TTG[1] on transcript NM_001031689.3 (MANE Select); one copy of the 3-base unit TTG starting at c.1139; the reference has two copies in a row; one copy, 3 bases deleted.
Protein change: p.Val381del; deletes valine 381.
Molecular consequence: inframe deletion.
Genome position (GRCh38, 1-based): chr9:26,920,280-26,920,282, CAA deleted on the plus strand (TTG on the coding strand, the reverse complement: PLAA is on the minus strand); deleting any 3 consecutive bases within chr9:26,920,280-26,920,287 gives the same sequence; the position shown is the placement nearest the transcript's 3' end. VCF-style (leftmost placement, unchanged base first): chr9-26920279-CCAA-C. GRCh37 (hg19) VCF-style: chr9-26920277-CCAA-C.
Other names: c.1139TTG[1], p.Val381del (NM_001321546.2); short protein forms V381del.
Identifiers: ClinVar variation 4750010 (VCV004750010.1).

ClinVar aggregate classification (germline): Uncertain significance (1 of 4 stars; one submission).

Submission:

Labcorp Genetics (formerly Invitae), Labcorp
Classification: Uncertain significance. Last evaluated: 2025-04-29. Review status: criteria provided, single submitter. Criteria: Invitae Variant Classification Sherloc (09022015). Collection method: clinical testing. Allele origin: germline.
Comment: This variant, c.1142_1144del, results in the deletion of 1 amino acid(s) of the PLAA protein (p.Val381del), but otherwise preserves the integrity of the reading frame. This variant is present in population databases (rs773272236, gnomAD 0.0009%). This variant has not been reported in the literature in individuals affected with PLAA-related conditions. Experimental studies and prediction algorithms are not available or were not evaluated, and the functional significance of this variant is currently unknown. In summary, the available evidence is currently insufficient to determine the role of this variant in disease. Therefore, it has been classified as a Variant of Uncertain Significance.